The following is an entry in ClinVar:

ClinVar aggregate classification (germline): Uncertain significance. Review status: criteria provided, multiple submitters, no conflicts (2 of 4 stars). 2 submissions from 2 submitters: Uncertain significance (2). Last evaluated 2026-02-05.

Conditions:
Hereditary cancer-predisposing syndrome. Also called: Neoplastic Syndromes, Hereditary; Tumor predisposition; Hereditary Cancer Syndrome; Hereditary neoplastic syndrome. Identifiers: Orphanet 140162, MedGen C0027672, MeSH D009386, MONDO:0015356.

Submissions (2):

Ambry Genetics
Classification: Uncertain significance for Hereditary cancer-predisposing syndrome. Last evaluated: 2026-02-05. Review status: criteria provided, single submitter. Criteria: Ambry Variant Classification Scheme 2023. Collection method: clinical testing. Allele origin: germline.
Comment: The p.N246K variant (also known as c.738C>A), located in coding exon 6 of the ATM gene, results from a C to A substitution at nucleotide position 738. The asparagine at codon 246 is replaced by lysine, an amino acid with similar properties. In an assay testing ATM function, this variant showed a functionally abnormal result (Lee KS et al. Cell, 2025 Sep;188:5081-5099.e27). This amino acid position is highly conserved in available vertebrate species. In addition, this alteration is predicted to be tolerated by in silico analysis. Based on the available evidence, the clinical significance of this variant remains unclear.

GeneDx
Classification: Uncertain significance. Last evaluated: 2025-05-19. Review status: criteria provided, single submitter. Criteria: GeneDx Variant Classification Process June 2021. Collection method: clinical testing. Allele origin: germline. Affected: yes.
Comment: Not observed at significant frequency in large population cohorts (gnomAD); In silico analysis supports that this missense variant has a deleterious effect on protein structure/function; Has not been previously published as pathogenic or benign to our knowledge

Literature cited by the submitters: PubMed 40580951 (cited by Ambry Genetics).

NM_000051.4(ATM):c.738C>A (p.Asn246Lys)

Gene: ATM (ATM serine/threonine kinase; plus strand). Cytogenetic location: 11q22.3.
Variant type: single nucleotide variant.
Coding change: c.738C>A on transcript NM_000051.4 (MANE Select); coding-DNA position 738, C replaced by A.
Protein change: p.Asn246Lys; replaces asparagine 246 with lysine.
Molecular consequence: missense variant.
Genome position (GRCh38, 1-based): chr11:108,244,863, C>A. VCF-style: chr11-108244863-C-A. GRCh37 (hg19) VCF-style: chr11-108115590-C-A.
Other names: c.738C>A, p.Asn246Lys (NM_001351834.2); short protein forms N246K.
Identifiers: ClinVar variation 4531079 (VCV004531079.2).